The following is an entry in ClinVar:

NM_002693.3(POLG):c.1356T>A (p.Tyr452Ter)

Gene: POLG (DNA polymerase gamma, catalytic subunit; minus strand). Cytogenetic location: 15q26.1.
Variant type: single nucleotide variant.
Coding change: c.1356T>A on transcript NM_002693.3 (MANE Select); coding-DNA position 1356, T replaced by A.
Protein change: p.Tyr452Ter; replaces tyrosine 452 with a stop codon.
Molecular consequence: nonsense.
Genome position (GRCh38, 1-based): chr15:89,327,244, A>T on the plus strand (T>A on the coding strand, the complement: POLG is on the minus strand). VCF-style: chr15-89327244-A-T. GRCh37 (hg19) VCF-style: chr15-89870475-A-T.
Other names: c.1356T>A, p.Tyr452Ter (NM_001126131.2); short protein forms Y452*.
Identifiers: ClinVar variation 2793278 (VCV002793278.4), dbSNP rs3176179, ClinGen allele CA393762082.

ClinVar aggregate classification (germline): Pathogenic. Review status: criteria provided, multiple submitters, no conflicts (2 of 4 stars). 2 submissions from 2 submitters: Pathogenic (2). Last evaluated 2024-11-01.

Conditions:
Progressive sclerosing poliodystrophy (MTDPS4A). Also called: ALPERS PROGRESSIVE INFANTILE POLIODYSTROPHY; NEURONAL DEGENERATION OF CHILDHOOD WITH LIVER DISEASE, PROGRESSIVE; Alpers Syndrome; ALPERS DIFFUSE DEGENERATION OF CEREBRAL GRAY MATTER WITH HEPATIC CIRRHOSIS; Alpers-Huttenlocher Syndrome; Alpers-Huttenlocher Syndrome (AHS). Identifiers: Orphanet 726, MedGen C0205710, MONDO:0008758, OMIM 203700.
POLG-related disorder. Also called: POLG-related condition; POLG-Related Disorders; POLG-Related Spectrum Disorders. Identifiers: MedGen C4763519.

Submissions (2):

Myriad Genetics, Inc.
Classification: Pathogenic for POLG-related disorder. Last evaluated: 2024-11-01. Review status: criteria provided, single submitter. Criteria: Myriad Autosomal Dominant, Autosomal Recessive and X-Linked Classification Criteria (2023). Collection method: clinical testing. Allele origin: unknown.
Comment: NM_002693.2(POLG):c.1356T>A(Y452*) is expected to be pathogenic in the context of POLG-related disorders. This variant is predicted to lead to an abnormal or absent protein product due to the creation of a premature termination codon in POLG, a gene where loss-of-function variants are known to be pathogenic. Please note: this variant was assessed in the context of healthy population screening.

Labcorp Genetics (formerly Invitae), Labcorp
Classification: Pathogenic for Progressive sclerosing poliodystrophy. Last evaluated: 2023-03-10. Review status: criteria provided, single submitter. Criteria: Invitae Variant Classification Sherloc (09022015). Collection method: clinical testing. Allele origin: germline.
Comment: For these reasons, this variant has been classified as Pathogenic. This variant has not been observed in the literature in individuals with autosomal recessive POLG-related conditions. This variant has been reported in individual(s) with autosomal dominant POLG related conditions (PMID: 16682683); however, the role of the variant in this condition is currently unclear. This variant is not present in population databases (gnomAD no frequency). This sequence change creates a premature translational stop signal (p.Tyr452*) in the POLG gene. It is expected to result in an absent or disrupted protein product. Loss-of-function variants in POLG are known to be pathogenic (PMID: 18546365).

Literature cited by the submitters: PubMed 16682683 (cited by Labcorp Genetics (formerly Invitae), Labcorp); PubMed 18546365 (cited by Labcorp Genetics (formerly Invitae), Labcorp).